The following is an entry in ClinVar:

ClinVar aggregate classification (germline): Pathogenic (1 of 4 stars; one submission).

Conditions:
Primary ciliary dyskinesia. Also called: Ciliary dyskinesia. Identifiers: Orphanet 244, MedGen C0008780, MONDO:0016575, HP:0012265.

Submission:

Labcorp Genetics (formerly Invitae), Labcorp
Classification: Pathogenic for Primary ciliary dyskinesia. Last evaluated: 2024-09-15. Review status: criteria provided, single submitter. Criteria: Invitae Variant Classification Sherloc (09022015). Collection method: clinical testing. Allele origin: germline.
Comment: This sequence change creates a premature translational stop signal (p.Glu843Lysfs*246) in the RPGR (ORF15) gene. While this is not anticipated to result in nonsense mediated decay, it is expected to disrupt the last 310 amino acid(s) of the RPGR (ORF15) protein. The frequency data for this variant in the population databases is considered unreliable, as metrics indicate insufficient coverage at this position in the gnomAD database. This premature translational stop signal has been observed in individual(s) with retinitis pigmentosa (PMID: 17195164). ClinVar contains an entry for this variant (Variation ID: 2131694). This variant disrupts a region of the RPGR (ORF15) protein in which other variant(s) (p.Leu1130Lysfs*13) have been determined to be pathogenic (PMID: 22264887; internal data). This suggests that this is a clinically significant region of the protein, and that variants that disrupt it are likely to be disease-causing. For these reasons, this variant has been classified as Pathogenic.

Literature cited by the submitters: PubMed 17195164; PubMed 22264887.

NM_001034853.2(RPGR):c.2527del (p.Glu843fs)

Gene: RPGR (retinitis pigmentosa GTPase regulator; minus strand). Cytogenetic location: Xp11.4.
Variant type: Deletion.
Coding change: c.2527del on transcript NM_001034853.2 (MANE Select); coding-DNA position 2527, one base deleted (G; older notation c.2527delG).
Protein change: p.Glu843fs; shifts the reading frame from glutamic acid 843.
Molecular consequence: frameshift variant. On other transcripts: intron variant (8).
Genome position (GRCh38, 1-based): chrX:38,286,472, C deleted on the plus strand (G on the coding strand, the reverse complement: RPGR is on the minus strand); the first of 5 consecutive C bases (chrX:38,286,472-38,286,476); deleting any one gives the same sequence. VCF-style (leftmost placement, unchanged base first): chrX-38286471-TC-T. GRCh37 (hg19) VCF-style: chrX-38145724-TC-T.
Other names: c.1569+4487del (NM_001367249.1, NM_001367250.1); c.1902+622del (NM_001367245.1); c.1386+4487del (NM_001367251.1); c.1719+622del (NM_001367246.1); c.1572+4487del (NM_001367247.1); c.1905+622del (NM_000328.3); c.1602+4487del (NM_001367248.1); short protein forms E843fs.
Identifiers: ClinVar variation 2131694 (VCV002131694.4), dbSNP rs2067175855, ClinGen allele CA2580100904.